The following is an entry in ClinVar:

NM_014915.3(ANKRD26):c.2824T>C (p.Cys942Arg)

Gene: ANKRD26 (ankyrin repeat domain 26; minus strand). Cytogenetic location: 10p12.1.
Variant type: single nucleotide variant.
Coding change: c.2824T>C on transcript NM_014915.3 (MANE Select); coding-DNA position 2824, T replaced by C.
Protein change: p.Cys942Arg; replaces cysteine 942 with arginine.
Molecular consequence: missense variant.
Genome position (GRCh38, 1-based): chr10:27,035,626, A>G on the plus strand (T>C on the coding strand, the complement: ANKRD26 is on the minus strand). VCF-style: chr10-27035626-A-G. GRCh37 (hg19) VCF-style: chr10-27324555-A-G.
Other names: c.2821T>C, p.Cys941Arg (NM_001256053.2); short protein forms C941R, C942R.
Identifiers: ClinVar variation 1703898 (VCV001703898.4), dbSNP rs1564375181, ClinGen allele CA376365251.

ClinVar aggregate classification (germline): Uncertain significance. Review status: criteria provided, multiple submitters, no conflicts (2 of 4 stars). 3 submissions from 3 submitters: Uncertain significance (3). Last evaluated 2025-03-19.

Conditions:
Inborn genetic diseases. Identifiers: MedGen C0950123, MeSH D030342.

Allele frequency attached by ClinVar (database versions not stated): gnomAD exomes 0.00001.
gnomAD v4.1: 15 of 1,592,526 alleles (0.00094%); highest among the groups gnomAD compares: South Asian, 0.015%; no homozygotes.

Submissions (3):

Labcorp Genetics (formerly Invitae), Labcorp
Classification: Uncertain significance. Last evaluated: 2025-03-19. Review status: criteria provided, single submitter. Criteria: Invitae Variant Classification Sherloc (09022015). Collection method: clinical testing. Allele origin: germline.
Comment: This sequence change replaces cysteine, which is neutral and slightly polar, with arginine, which is basic and polar, at codon 942 of the ANKRD26 protein (p.Cys942Arg). This variant is present in population databases (no rsID available, gnomAD 0.01%). This variant has not been reported in the literature in individuals affected with ANKRD26-related conditions. ClinVar contains an entry for this variant (Variation ID: 1703898). An algorithm developed to predict the effect of missense changes on protein structure and function (PolyPhen-2) suggests that this variant is likely to be tolerated. In summary, the available evidence is currently insufficient to determine the role of this variant in disease. Therefore, it has been classified as a Variant of Uncertain Significance.

Ambry Genetics
Classification: Uncertain significance for Inborn genetic diseases. Last evaluated: 2025-01-09. Review status: criteria provided, single submitter. Criteria: Ambry Variant Classification Scheme 2023. Collection method: clinical testing. Allele origin: germline.
Comment: The p.C942R variant (also known as c.2824T>C), located in coding exon 24 of the ANKRD26 gene, results from a T to C substitution at nucleotide position 2824. The cysteine at codon 942 is replaced by arginine, an amino acid with highly dissimilar properties. This amino acid position is conserved. In addition, this alteration is predicted to be tolerated by in silico analysis. Based on the available evidence, the clinical significance of this variant remains unclear.

GeneDx
Classification: Uncertain significance. Last evaluated: 2022-03-01. Review status: criteria provided, single submitter. Criteria: GeneDx Variant Classification Process June 2021. Collection method: clinical testing. Allele origin: germline. Affected: yes.
Comment: Not observed at significant frequency in large population cohorts (gnomAD); In silico analysis supports that this missense variant does not alter protein structure/function; Has not been previously published as pathogenic or benign to our knowledge